The following is an entry in ClinVar:

NM_015662.3(IFT172):c.265A>G (p.Ile89Val)

Gene: IFT172 (intraflagellar transport 172; minus strand). Cytogenetic location: 2p23.3.
Variant type: single nucleotide variant.
Coding change: c.265A>G on transcript NM_015662.3 (MANE Select); coding-DNA position 265, A replaced by G.
Protein change: p.Ile89Val; replaces isoleucine 89 with valine.
Molecular consequence: missense variant.
Genome position (GRCh38, 1-based): chr2:27,485,049, T>C on the plus strand (A>G on the coding strand, the complement: IFT172 is on the minus strand). VCF-style: chr2-27485049-T-C. GRCh37 (hg19) VCF-style: chr2-27707916-T-C.
Other names: c.265A>G, p.Ile89Val (NM_001410739.1); short protein forms I89V.
Identifiers: ClinVar variation 2120703 (VCV002120703.4), dbSNP rs2466035250, ClinGen allele CA346402425.

ClinVar aggregate classification (germline): Uncertain significance (1 of 4 stars; one submission).

Conditions:
Short-rib thoracic dysplasia 10 with or without polydactyly (SRTD10). Identifiers: Orphanet 474, MedGen C3810175, MONDO:0014284, OMIM 615630.
Retinitis pigmentosa 71 (RP71). Identifiers: Orphanet 791, MedGen C4225342, MONDO:0014618, OMIM 616394.

Submission:

Labcorp Genetics (formerly Invitae), Labcorp
Classification: Uncertain significance for Retinitis pigmentosa 71; Short-rib thoracic dysplasia 10 with or without polydactyly. Last evaluated: 2022-04-01. Review status: criteria provided, single submitter. Criteria: Invitae Variant Classification Sherloc (09022015). Collection method: clinical testing. Allele origin: germline.
Comment: In summary, the available evidence is currently insufficient to determine the role of this variant in disease. Therefore, it has been classified as a Variant of Uncertain Significance. Algorithms developed to predict the effect of missense changes on protein structure and function (SIFT, PolyPhen-2, Align-GVGD) all suggest that this variant is likely to be tolerated. This variant has not been reported in the literature in individuals affected with IFT172-related conditions. This variant is not present in population databases (gnomAD no frequency). This sequence change replaces isoleucine, which is neutral and non-polar, with valine, which is neutral and non-polar, at codon 89 of the IFT172 protein (p.Ile89Val).